The following is an entry in ClinVar:

ClinVar aggregate classification (germline): Uncertain significance (1 of 4 stars; one submission).

Conditions:
Brugada syndrome 8 (BRGDA8). Identifiers: Orphanet 130, MedGen C2751083, MONDO:0013148, OMIM 613123.

Submission:

Labcorp Genetics (formerly Invitae), Labcorp
Classification: Uncertain significance for Brugada syndrome 8. Last evaluated: 2025-09-15. Review status: criteria provided, single submitter. Criteria: Invitae Variant Classification Sherloc (09022015). Collection method: clinical testing. Allele origin: germline.
Comment: This sequence change replaces alanine, which is neutral and non-polar, with leucine, which is neutral and non-polar, at codon 194 of the HCN4 protein (p.Ala194Leu). Information on the frequency of this variant in the gnomAD database is not available, as this variant may be reported differently in the database. This variant has not been reported in the literature in individuals affected with HCN4-related conditions. ClinVar contains an entry for this variant (Variation ID: 2812542). Experimental studies and prediction algorithms are not available or were not evaluated, and the functional significance of this variant is currently unknown. In summary, the available evidence is currently insufficient to determine the role of this variant in disease. Therefore, it has been classified as a Variant of Uncertain Significance.

NM_005477.3(HCN4):c.580_581delinsTT (p.Ala194Leu)

Gene: HCN4 (hyperpolarization activated cyclic nucleotide gated potassium channel 4; minus strand). Cytogenetic location: 15q24.1.
Variant type: Indel.
Coding change: c.580_581delinsTT on transcript NM_005477.3 (MANE Select); coding-DNA positions 580 to 581, GC replaced by TT.
Protein change: p.Ala194Leu; replaces alanine 194 with leucine.
Molecular consequence: missense variant.
Genome position (GRCh38, 1-based): chr15:73,367,690-73,367,691, GC replaced by AA on the plus strand (GC replaced by TT on the coding strand, the reverse complement: HCN4 is on the minus strand). VCF-style: chr15-73367690-GC-AA. GRCh37 (hg19) VCF-style: chr15-73660031-GC-AA.
Other names: short protein forms A194L.
Identifiers: ClinVar variation 2812542 (VCV002812542.3), dbSNP rs2549080226, ClinGen allele CA2739269583.